The following is an entry in ClinVar:

ClinVar aggregate classification (germline): Uncertain significance (1 of 4 stars; one submission).

Conditions:
Primary ciliary dyskinesia. Also called: Ciliary dyskinesia. Identifiers: Orphanet 244, MedGen C0008780, MONDO:0016575, HP:0012265.

gnomAD v4.1: 1 of 1,614,026 alleles (0.000062%); highest among the groups gnomAD compares: Admixed American, 0.0017%; no homozygotes.

Submission:

Ambry Genetics
Classification: Uncertain significance for Primary ciliary dyskinesia. Last evaluated: 2025-12-21. Review status: criteria provided, single submitter. Criteria: Ambry Variant Classification Scheme 2023. Collection method: clinical testing. Allele origin: germline.
Comment: The p.D821N variant (also known as c.2461G>A), located in coding exon 17 of the SPAG1 gene, results from a G to A substitution at nucleotide position 2461. The aspartic acid at codon 821 is replaced by asparagine, an amino acid with highly similar properties. This amino acid position is conserved. In addition, this alteration is predicted to be tolerated by in silico analysis. Based on the available evidence, the clinical significance of this variant remains unclear.

NM_003114.5(SPAG1):c.2461G>A (p.Asp821Asn)

Gene: SPAG1 (sperm associated antigen 1; plus strand). Cytogenetic location: 8q22.2.
Variant type: single nucleotide variant.
Coding change: c.2461G>A on transcript NM_003114.5 (MANE Select); coding-DNA position 2461, G replaced by A.
Protein change: p.Asp821Asn; replaces aspartic acid 821 with asparagine.
Molecular consequence: missense variant.
Genome position (GRCh38, 1-based): chr8:100,240,583, G>A. VCF-style: chr8-100240583-G-A. GRCh37 (hg19) VCF-style: chr8-101252811-G-A.
Other names: c.2461G>A, p.Asp821Asn (NM_001374321.1, NM_172218.3); short protein forms D821N.
Identifiers: ClinVar variation 4841523 (VCV004841523.1).